The following is an entry in ClinVar:

ClinVar aggregate classification (germline): Uncertain significance (1 of 4 stars; one submission).

Allele frequency attached by ClinVar (database versions not stated): gnomAD exomes below 0.00001.
gnomAD v4.1: 4 of 1,614,030 alleles (0.00025%); highest among the groups gnomAD compares: Non-Finnish European, 0.00034%; no homozygotes.

Submission:

GeneDx
Classification: Uncertain significance. Last evaluated: 2022-10-04. Review status: criteria provided, single submitter. Criteria: GeneDx Variant Classification Process June 2021. Collection method: clinical testing. Allele origin: germline. Affected: yes.
Comment: Not observed at significant frequency in large population cohorts (gnomAD); In silico analysis supports that this missense variant has a deleterious effect on protein structure/function; Has not been previously published as pathogenic or benign to our knowledge; This variant is associated with the following publications: (PMID: 25279699, 24709677)

NM_133642.5(LARGE1):c.611T>C (p.Leu204Pro)

Gene: LARGE1 (LARGE xylosyl- and glucuronyltransferase 1; minus strand). Cytogenetic location: 22q12.3.
Variant type: single nucleotide variant.
Coding change: c.611T>C on transcript NM_133642.5 (MANE Select); coding-DNA position 611, T replaced by C.
Protein change: p.Leu204Pro; replaces leucine 204 with proline.
Molecular consequence: missense variant.
Genome position (GRCh38, 1-based): chr22:33,604,439, A>G on the plus strand (T>C on the coding strand, the complement: LARGE1 is on the minus strand). VCF-style: chr22-33604439-A-G. GRCh37 (hg19) VCF-style: chr22-34000425-A-G.
Other names: c.611T>C, p.Leu204Pro (NM_001362949.2, NM_001362951.2, NM_001362953.2 and 7 more transcripts); short protein forms L204P.
Identifiers: ClinVar variation 2497819 (VCV002497819.1), dbSNP rs2518725560, ClinGen allele CA411546632.